The following is an entry in ClinVar:

ClinVar aggregate classification (germline): Likely benign (1 of 4 stars; one submission).

Allele frequency attached by ClinVar (database versions not stated): 1000 Genomes Project 30x 0.00250; 1000 Genomes Project 0.00280; TOPMed 0.00313; gnomAD 0.00350; ExAC 0.00412; ESP Exome Variant Server 0.00416; gnomAD exomes 0.00499.
gnomAD v4.1: 7,767 of 1,614,212 alleles (0.48%); highest among the groups gnomAD compares: South Asian, 1%; 49 homozygotes.

Submission:

CeGaT Center for Human Genetics Tuebingen
Classification: Likely benign. Last evaluated: 2023-03-01. Review status: criteria provided, single submitter. Criteria: CeGaT Center For Human Genetics Tuebingen Variant Classification Criteria Version 2. Collection method: clinical testing. Allele origin: germline. Affected: yes. Observed: 1 variant allele.
Comment: TRIM6: BP4, BS2

NM_001003818.3(TRIM6):c.1100A>G (p.His367Arg)

Genes: TRIM5 (tripartite motif containing 5; minus strand), TRIM6 (tripartite motif containing 6; plus strand). Cytogenetic location: 11p15.4.
Variant type: single nucleotide variant.
Coding change: c.1100A>G on transcript NM_001003818.3 (MANE Select); coding-DNA position 1100, A replaced by G.
Protein change: p.His367Arg; replaces histidine 367 with arginine.
Molecular consequence: missense variant. On other transcripts: intron variant (1).
Genome position (GRCh38, 1-based): chr11:5,610,891, A>G. VCF-style: chr11-5610891-A-G. GRCh37 (hg19) VCF-style: chr11-5632121-A-G.
Other names: c.491A>G, p.His164Arg (NM_001198644.2, NM_001198645.2); c.1016A>G, p.His339Arg (NM_058166.5); c.985+330A>G (NM_001003819.4); short protein forms H164R, H339R, H367R.
Identifiers: ClinVar variation 2641541 (VCV002641541.24), dbSNP rs150778640, ClinGen allele CA5844647.